The following is an entry in ClinVar:

ClinVar aggregate classification (germline): Conflicting classifications of pathogenicity. Review status: criteria provided, conflicting classifications (1 of 4 stars). 2 submissions from 2 submitters: Uncertain significance (1); Likely benign (1). Last evaluated 2025-04-06.

Conditions:
Inborn genetic diseases. Identifiers: MedGen C0950123, MeSH D030342.
Pierson syndrome. Also called: MICROCORIA-CONGENITAL NEPHROTIC SYNDROME. Identifiers: Orphanet 2670, MedGen C1836876, MONDO:0012184, OMIM 609049.
LAMB2-related infantile-onset nephrotic syndrome. Also called: Nephrotic Syndrome, type 5; NEPHROTIC SYNDROME, TYPE 5, WITHOUT OCULAR ABNORMALITIES; NEPHROTIC SYNDROME, TYPE 5, WITH OCULAR ABNORMALITIES. Identifiers: Orphanet 306507, MedGen C3280113, MONDO:0013621, OMIM 614199.

Allele frequency attached by ClinVar (database versions not stated): gnomAD exomes 0.00001 and 0.00002; ExAC 0.00002; TOPMed 0.00003; ESP Exome Variant Server 0.00008.

Submissions (2):

Ambry Genetics
Classification: Likely benign for Inborn genetic diseases. Last evaluated: 2025-04-06. Review status: criteria provided, single submitter. Criteria: Ambry Variant Classification Scheme 2023. Collection method: clinical testing. Allele origin: germline.

Labcorp Genetics (formerly Invitae), Labcorp
Classification: Uncertain significance for LAMB2-related infantile-onset nephrotic syndrome; Pierson syndrome. Last evaluated: 2022-02-02. Review status: criteria provided, single submitter. Criteria: Invitae Variant Classification Sherloc (09022015). Collection method: clinical testing. Allele origin: germline.
Comment: In summary, the available evidence is currently insufficient to determine the role of this variant in disease. Therefore, it has been classified as a Variant of Uncertain Significance. Algorithms developed to predict the effect of missense changes on protein structure and function output the following: SIFT: "Tolerated"; PolyPhen-2: "Benign"; Align-GVGD: "Class C0". The histidine amino acid residue is found in multiple mammalian species, which suggests that this missense change does not adversely affect protein function. ClinVar contains an entry for this variant (Variation ID: 1061079). This variant has not been reported in the literature in individuals affected with LAMB2-related conditions. This variant is present in population databases (rs373712709, gnomAD 0.003%). This sequence change replaces arginine, which is basic and polar, with histidine, which is basic and polar, at codon 1078 of the LAMB2 protein (p.Arg1078His).

NM_002292.4(LAMB2):c.3233G>A (p.Arg1078His)

Gene: LAMB2 (laminin subunit beta 2; minus strand). Cytogenetic location: 3p21.31.
Variant type: single nucleotide variant.
Coding change: c.3233G>A on transcript NM_002292.4 (MANE Select); coding-DNA position 3233, G replaced by A.
Protein change: p.Arg1078His; replaces arginine 1078 with histidine.
Molecular consequence: missense variant.
Genome position (GRCh38, 1-based): chr3:49,124,489, C>T on the plus strand (G>A on the coding strand, the complement: LAMB2 is on the minus strand). VCF-style: chr3-49124489-C-T. GRCh37 (hg19) VCF-style: chr3-49161922-C-T.
Other names: c.3233G>A (NM_002292.3); short protein forms R1078H.
Identifiers: ClinVar variation 1061079 (VCV001061079.5), dbSNP rs373712709, ClinGen allele CA2394100.